The following is an entry in ClinVar:

ClinVar aggregate classification (germline): Likely pathogenic (1 of 4 stars; one submission).

Conditions:
Joubert syndrome. Also called: CEREBELLOPARENCHYMAL DISORDER IV; JOUBERT-BOLTSHAUSER SYNDROME; Familial aplasia of the vermis. Identifiers: Orphanet 475, MedGen C5979921, MONDO:0018772.
Meckel-Gruber syndrome. Also called: DYSENCEPHALIA SPLANCHNOCYSTICA; GRUBER SYNDROME; Dysencephalia splachnocystica. Identifiers: Orphanet 564, MedGen C0265215, MONDO:0018921.

Submission:

Labcorp Genetics (formerly Invitae), Labcorp
Classification: Likely pathogenic for Joubert syndrome; Meckel-Gruber syndrome. Last evaluated: 2023-08-27. Review status: criteria provided, single submitter. Criteria: Invitae Variant Classification Sherloc (09022015). Collection method: clinical testing. Allele origin: germline.
Comment: In summary, the currently available evidence indicates that the variant is pathogenic, but additional data are needed to prove that conclusively. Therefore, this variant has been classified as Likely Pathogenic. Algorithms developed to predict the effect of sequence changes on RNA splicing suggest that this variant may disrupt the consensus splice site. ClinVar contains an entry for this variant (Variation ID: 2037026). This variant has not been reported in the literature in individuals affected with TCTN2-related conditions. This variant is not present in population databases (gnomAD no frequency). This sequence change affects an acceptor splice site in intron 6 of the TCTN2 gene. It is expected to disrupt RNA splicing. Variants that disrupt the donor or acceptor splice site typically lead to a loss of protein function (PMID: 16199547), and loss-of-function variants in TCTN2 are known to be pathogenic (PMID: 21565611).

Literature cited by the submitters: PubMed 16199547; PubMed 21565611.

NM_024809.5(TCTN2):c.765-1G>A

Gene: TCTN2 (tectonic family member 2; plus strand). Cytogenetic location: 12q24.31.
Variant type: single nucleotide variant.
Coding change: c.765-1G>A on transcript NM_024809.5 (MANE Select); the canonical splice acceptor site of the intron before coding-DNA position 765, G replaced by A.
Molecular consequence: splice acceptor variant.
Genome position (GRCh38, 1-based): chr12:123,688,050, G>A. VCF-style: chr12-123688050-G-A. GRCh37 (hg19) VCF-style: chr12-124172597-G-A.
Other names: c.765-1G>A (NM_001410989.1); c.762-1G>A (NM_001143850.3).
Identifiers: ClinVar variation 2037026 (VCV002037026.4), dbSNP rs1191280597, ClinGen allele CA387137339.